The following is an entry in ClinVar:

ClinVar aggregate classification (germline): Pathogenic (1 of 4 stars; one submission).

Conditions:
Nicolaides-Baraitser syndrome (NCBRS). Also called: SMARCA2-Related Nicolaides-Baraitser Syndrome; Intellectual disability-sparse hair-brachydactyly syndrome. Identifiers: Orphanet 3051, MedGen C1303073, MONDO:0011053, OMIM 601358.

Submission:

Rady Children's Institute for Genomic Medicine, Rady Children's Hospital San Diego
Classification: Pathogenic for NICOLAIDES-BARAITSER SYNDROME. Last evaluated: 2019-12-23. Review status: criteria provided, single submitter. Criteria: ACMG Guidelines, 2015. Collection method: clinical testing. Allele origin: germline. Affected: yes.
Comment: This variant has been previously reported in an individual with Nicolaides-Baraister syndrome (PMID: 25169058). It is absent from the ExAC and gnomAD population databases and thus is presumed to be rare. The c.3220C>G (p.Gln1074Glu) variant affects a highly conserved amino acid and is predicted by multiple in silico tools to have a deleterious effect on protein function. Multiple splice prediction tools suggest this variant may interfere with normal splicing. Analysis of the parental samples was negative for the variant, indicating this variant likely occurred as a de novo event. Based on the available evidence, the c.3220C>G (p.Gln1074Glu) variant is classified as Likely Pathogenic.

NM_003070.5(SMARCA2):c.3220C>G (p.Gln1074Glu)

Gene: SMARCA2 (SWI/SNF related BAF chromatin remodeling complex subunit ATPase 2; plus strand). Cytogenetic location: 9p24.3.
Variant type: single nucleotide variant.
Coding change: c.3220C>G on transcript NM_003070.5 (MANE Select); coding-DNA position 3220, C replaced by G.
Protein change: p.Gln1074Glu; replaces glutamine 1074 with glutamic acid.
Molecular consequence: missense variant.
Genome position (GRCh38, 1-based): chr9:2,104,097, C>G. VCF-style: chr9-2104097-C-G. GRCh37 (hg19) VCF-style: chr9-2104097-C-G.
Other names: c.3220C>G, p.Gln1074Glu (NM_001289396.2, NM_139045.4); c.3046C>G, p.Gln1016Glu (NM_001289397.2); short protein forms Q1016E, Q1074E.
Identifiers: ClinVar variation 984920 (VCV000984920.1), dbSNP rs1822649338, ClinGen allele CA372787356.